The following is an entry in ClinVar:

ClinVar aggregate classification (germline): Uncertain significance (1 of 4 stars; one submission).

Submission:

Labcorp Genetics (formerly Invitae), Labcorp
Classification: Uncertain significance. Last evaluated: 2023-10-13. Review status: criteria provided, single submitter. Criteria: Invitae Variant Classification Sherloc (09022015). Collection method: clinical testing. Allele origin: germline.
Comment: This sequence change replaces glycine, which is neutral and non-polar, with aspartic acid, which is acidic and polar, at codon 315 of the OAS1 protein (p.Gly315Asp). This variant is not present in population databases (gnomAD no frequency). This variant has not been reported in the literature in individuals affected with OAS1-related conditions. ClinVar contains an entry for this variant (Variation ID: 1425354). An algorithm developed to predict the effect of missense changes on protein structure and function (PolyPhen-2) suggests that this variant is likely to be tolerated. Algorithms developed to predict the effect of sequence changes on RNA splicing suggest that this variant may create or strengthen a splice site. In summary, the available evidence is currently insufficient to determine the role of this variant in disease. Therefore, it has been classified as a Variant of Uncertain Significance.

NM_016816.4(OAS1):c.944G>A (p.Gly315Asp)

Gene: OAS1 (2'-5'-oligoadenylate synthetase 1; plus strand). Cytogenetic location: 12q24.13.
Variant type: single nucleotide variant.
Coding change: c.944G>A on transcript NM_016816.4 (MANE Select); coding-DNA position 944, G replaced by A.
Protein change: p.Gly315Asp; replaces glycine 315 with aspartic acid.
Molecular consequence: missense variant.
Genome position (GRCh38, 1-based): chr12:112,917,606, G>A. VCF-style: chr12-112917606-G-A. GRCh37 (hg19) VCF-style: chr12-113355411-G-A.
Other names: c.944G>A, p.Gly315Asp (NM_001032409.3, NM_001320151.2, NM_002534.4); short protein forms G315D.
Identifiers: ClinVar variation 1425354 (VCV001425354.6), dbSNP rs2136321257, ClinGen allele CA386807837.
Genomic context (GRCh38, chr12:112,917,606, plus strand): 5'-GGCCTGTGATCCTGGACCCGGCGGACCCTACAGGAAACTTGGGTGGTGGAGACCCAAAGG[G>A]TTGGAGGCAGCTGGCACAAGAGGCTGAGGCCTGGCTGAATTACCCATGCTTTAAGAATTG-3'
Protein context (NP_058132.2, residues 305-325): TGNLGGGDPK[Gly315Asp]WRQLAQEAEA